The following is an entry in ClinVar:

NM_005477.3(HCN4):c.316C>T (p.Arg106Trp)

Gene: HCN4 (hyperpolarization activated cyclic nucleotide gated potassium channel 4; minus strand). Cytogenetic location: 15q24.1.
Variant type: single nucleotide variant.
Coding change: c.316C>T on transcript NM_005477.3 (MANE Select); coding-DNA position 316, C replaced by T.
Protein change: p.Arg106Trp; replaces arginine 106 with tryptophan.
Molecular consequence: missense variant.
Genome position (GRCh38, 1-based): chr15:73,367,955, G>A on the plus strand (C>T on the coding strand, the complement: HCN4 is on the minus strand). VCF-style: chr15-73367955-G-A. GRCh37 (hg19) VCF-style: chr15-73660296-G-A.
Other names: short protein forms R106W.
Identifiers: ClinVar variation 1493865 (VCV001493865.6), dbSNP rs2151228608, ClinGen allele CA393098398.
Genomic context (GRCh38, chr15:73,367,955, plus strand): 5'-CGGAGTCATGCAGGTGTCCGTGACTGCTGCCGCTCCCCGTGCCGCCGCTGCCGCCGCCCC[G>A]GCTGCCCAGCGAGGCCAGGCTCCCGCGGAAGCGCCTGCAGTCGCCGTTCGTGCTGGACTT-3'
Protein context (NP_005468.1, residues 96-116): FRGSLASLGS[Arg106Trp]GGGSGGTGSG

ClinVar aggregate classification (germline): Uncertain significance (1 of 4 stars; one submission).

Conditions:
Brugada syndrome 8 (BRGDA8). Identifiers: Orphanet 130, MedGen C2751083, MONDO:0013148, OMIM 613123.

Submission:

Labcorp Genetics (formerly Invitae), Labcorp
Classification: Uncertain significance for Brugada syndrome 8. Last evaluated: 2021-08-29. Review status: criteria provided, single submitter. Criteria: Invitae Variant Classification Sherloc (09022015). Collection method: clinical testing. Allele origin: germline.
Comment: In summary, the available evidence is currently insufficient to determine the role of this variant in disease. Therefore, it has been classified as a Variant of Uncertain Significance. Advanced modeling of protein sequence and biophysical properties (such as structural, functional, and spatial information, amino acid conservation, physicochemical variation, residue mobility, and thermodynamic stability) performed at Invitae indicates that this missense variant is not expected to disrupt HCN4 protein function. This variant has not been reported in the literature in individuals affected with HCN4-related conditions. The frequency data for this variant in the population databases is considered unreliable, as metrics indicate insufficient coverage at this position in the ExAC database. This sequence change replaces arginine with tryptophan at codon 106 of the HCN4 protein (p.Arg106Trp). The arginine residue is moderately conserved and there is a moderate physicochemical difference between arginine and tryptophan.